The following is an entry in ClinVar:

ClinVar aggregate classification (germline): Likely benign (1 of 4 stars; one submission).

Submission:

CeGaT Center for Human Genetics Tuebingen
Classification: Likely benign. Last evaluated: 2022-06-01. Review status: criteria provided, single submitter. Criteria: CeGaT Center For Human Genetics Tuebingen Variant Classification Criteria Version 2. Collection method: clinical testing. Allele origin: germline. Affected: yes. Observed: 1 variant allele.
Comment: VPS13D: PM2:Supporting, BP4, BP7

NM_015378.4(VPS13D):c.7110C>T (p.Ser2370=)

Gene: VPS13D (vacuolar protein sorting 13 homolog D; plus strand). Cytogenetic location: 1p36.22.
Variant type: single nucleotide variant.
Coding change: c.7110C>T on transcript NM_015378.4 (MANE Select); coding-DNA position 7110, C replaced by T.
Protein change: p.Ser2370=; no amino-acid change (serine 2370 retained).
Molecular consequence: synonymous variant.
Genome position (GRCh38, 1-based): chr1:12,314,289, C>T. VCF-style: chr1-12314289-C-T. GRCh37 (hg19) VCF-style: chr1-12374346-C-T.
Other names: c.7110C>T, p.Ser2370= (NM_018156.4).
Identifiers: ClinVar variation 1694491 (VCV001694491.31), dbSNP rs1642835244, ClinGen allele CA416126618.